The following is an entry in ClinVar:

NM_002474.3(MYH11):c.4086G>A (p.Leu1362=)

Genes: MYH11 (myosin heavy chain 11; minus strand), NDE1 (nudE neurodevelopment protein 1; plus strand). Cytogenetic location: 16p13.11.
Variant type: single nucleotide variant.
Coding change: c.4086G>A on transcript NM_002474.3 (MANE Select); coding-DNA position 4086, G replaced by A.
Protein change: p.Leu1362=; no amino-acid change (leucine 1362 retained).
Molecular consequence: synonymous variant. On other transcripts: 3 prime UTR variant (2).
Genome position (GRCh38, 1-based): chr16:15,724,677, C>T on the plus strand (G>A on the coding strand, the complement: MYH11 is on the minus strand). VCF-style: chr16-15724677-C-T. GRCh37 (hg19) VCF-style: chr16-15818534-C-T.
Other names: c.4086G>A, p.Leu1362= (NM_022844.3); c.*426C>T (NM_001143979.2, NM_017668.3); c.4107G>A, p.Leu1369= (NM_001040113.2, NM_001040114.2).
Identifiers: ClinVar variation 1080341 (VCV001080341.14), dbSNP rs998445950, ClinGen allele CA278606472.

ClinVar aggregate classification (germline): Likely benign. Review status: criteria provided, multiple submitters, no conflicts (2 of 4 stars). 4 submissions from 4 submitters: Likely benign (4). Last evaluated 2026-03-27.

Conditions:
Familial thoracic aortic aneurysm and aortic dissection (TAAD). Also called: Thoracic aortic aneurysms and dissections. Identifiers: Orphanet 91387, MedGen C4707243, MONDO:0019625.
Aortic aneurysm, familial thoracic 4 (AAT4). Also called: AORTIC ANEURYSM/AORTIC DISSECTION AND PATENT DUCTUS ARTERIOSUS. Identifiers: MedGen C1851504, MONDO:0007568, OMIM 132900.

Allele frequency attached by ClinVar (database versions not stated): gnomAD exomes below 0.00001; TOPMed below 0.00001.
gnomAD v4.1: 6 of 1,614,202 alleles (0.00037%); highest among the groups gnomAD compares: Non-Finnish European, 0.00051%; no homozygotes.

Submissions (4):

Molecular Diagnostic Laboratory for Inherited Cardiovascular Disease, Montreal Heart Institute
Classification: Likely benign. Last evaluated: 2026-03-27. Review status: criteria provided, single submitter. Criteria: ACMG Guidelines, 2015. Collection method: clinical testing. Allele origin: germline. Affected: no.
Comment: BP7

Labcorp Genetics (formerly Invitae), Labcorp
Classification: Likely benign for Aortic aneurysm, familial thoracic 4. Last evaluated: 2024-09-30. Review status: criteria provided, single submitter. Criteria: Invitae Variant Classification Sherloc (09022015). Collection method: clinical testing. Allele origin: germline.

Color Diagnostics, LLC DBA Color Health
Classification: Likely benign for Familial thoracic aortic aneurysm and aortic dissection. Last evaluated: 2022-11-06. Review status: criteria provided, single submitter. Criteria: ACMG Guidelines, 2015. Collection method: clinical testing. Allele origin: germline.

Ambry Genetics
Classification: Likely benign for Familial thoracic aortic aneurysm and aortic dissection. Last evaluated: 2022-06-09. Review status: criteria provided, single submitter. Criteria: Ambry Variant Classification Scheme 2023. Collection method: clinical testing. Allele origin: germline.